The following is an entry in ClinVar:

NM_000292.3(PHKA2):c.3188G>A (p.Arg1063Gln)

Gene: PHKA2 (phosphorylase kinase regulatory subunit alpha 2; minus strand). Cytogenetic location: Xp22.13.
Variant type: single nucleotide variant.
Coding change: c.3188G>A on transcript NM_000292.3 (MANE Select); coding-DNA position 3188, G replaced by A.
Protein change: p.Arg1063Gln; replaces arginine 1063 with glutamine.
Molecular consequence: missense variant.
Genome position (GRCh38, 1-based): chrX:18,897,257, C>T on the plus strand (G>A on the coding strand, the complement: PHKA2 is on the minus strand). VCF-style: chrX-18897257-C-T. GRCh37 (hg19) VCF-style: chrX-18915375-C-T.
Other names: short protein forms R1063Q.
Identifiers: ClinVar variation 3766965 (VCV003766965.1).
Genomic context (GRCh38, chrX:18,897,257, plus strand): 5'-CCCACGGGGACCCTGTTGATGGCCCCATCCAGCCTTCTCCTGCGCAGCCACTGGCCCTGC[C>T]GCTCACCCCAGCCGATGTGATGTCCTCCCGAGTCTGAGGATGACGTGCCAGTGGGCGAGG-3'
Protein context (NP_000283.1, residues 1053-1073): SGGHHIGWGE[Arg1063Gln]QGQWLRRRRL

ClinVar aggregate classification (germline): Uncertain significance (1 of 4 stars; one submission).

gnomAD v4.1: 9 of 1,209,478 alleles (0.00074%); highest among the groups gnomAD compares: African/African-American, 0.0017%; no homozygotes.

Submission:

ARUP Laboratories, Molecular Genetics and Genomics, ARUP Laboratories
Classification: Uncertain significance. Last evaluated: 2024-11-07. Review status: criteria provided, single submitter. Criteria: ARUP Molecular Germline Variant Investigation Process 2024. Collection method: clinical testing. Allele origin: germline.
Comment: The PHKA2 c.3188G>A; p.Arg1063Gln variant (rs760201239), to our knowledge, is not reported in the medical literature or gene specific databases in association with a glycogen storage disorder. This variant is only observed on one allele in the Genome Aggregation Database (v2.1.1), indicating it is not a common polymorphism. Computational analyses are uncertain whether this variant is neutral or deleterious (REVEL: 0.425). Due to limited information, the clinical significance of this variant is uncertain at this time.